The following is an entry in ClinVar:

NM_000535.7(PMS2):c.2076T>C (p.Asn692=)

Gene: PMS2 (PMS1 homolog 2, mismatch repair system component; minus strand). Cytogenetic location: 7p22.1.
Variant type: single nucleotide variant.
Coding change: c.2076T>C on transcript NM_000535.7 (MANE Select); coding-DNA position 2076, T replaced by C.
Protein change: p.Asn692=; no amino-acid change (asparagine 692 retained).
Molecular consequence: synonymous variant. On other transcripts: non-coding transcript variant (1).
Genome position (GRCh38, 1-based): chr7:5,982,922, A>G on the plus strand (T>C on the coding strand, the complement: PMS2 is on the minus strand). VCF-style: chr7-5982922-A-G. GRCh37 (hg19) VCF-style: chr7-6022553-A-G.
Other names: c.1671T>C, p.Asn557= (NM_001322003.2, NM_001322004.2, NM_001322005.2 and 1 more transcripts); c.1920T>C, p.Asn640= (NM_001322006.2); c.1758T>C, p.Asn586= (NM_001322007.2, NM_001322008.2); c.1515T>C, p.Asn505= (NM_001322010.2); c.1143T>C, p.Asn381= (NM_001322011.2, NM_001322012.2); c.1503T>C, p.Asn501= (NM_001322013.2); c.2076T>C, p.Asn692= (NM_001322014.2); c.1767T>C, p.Asn589= (NM_001322015.2).
Identifiers: ClinVar variation 484323 (VCV000484323.15), dbSNP rs1554295887, ClinGen allele CA453643399.

ClinVar aggregate classification (germline): Benign/Likely benign. Review status: criteria provided, multiple submitters, no conflicts (2 of 4 stars). 4 submissions from 4 submitters: Benign (1); Likely benign (3). Last evaluated 2025-02-03.

Conditions:
Hereditary nonpolyposis colorectal neoplasms. Identifiers: MedGen C0009405, MeSH D003123.
Hereditary cancer-predisposing syndrome. Also called: Neoplastic Syndromes, Hereditary; Tumor predisposition; Hereditary Cancer Syndrome; Hereditary neoplastic syndrome. Identifiers: Orphanet 140162, MedGen C0027672, MeSH D009386, MONDO:0015356.
Lynch syndrome 4 (LYNCH4). Also called: Colorectal cancer, hereditary nonpolyposis, type 4; Hereditary non-polyposis colorectal cancer, type 4. Identifiers: Orphanet 144, MedGen C1838333, MONDO:0013699, OMIM 614337. Disease mechanism: loss of function.

Allele frequency attached by ClinVar (database versions not stated): TOPMed below 0.00001.

Submissions (4):

Myriad Genetics, Inc.
Classification: Benign for Lynch syndrome 4. Last evaluated: 2025-02-03. Review status: criteria provided, single submitter. Criteria: Myriad Autosomal Dominant, Autosomal Recessive and X-Linked Classification Criteria (2023). Collection method: clinical testing. Allele origin: unknown.
Comment: This variant is considered benign. This variant is a silent/synonymous amino acid change and it is not expected to impact splicing.

Labcorp Genetics (formerly Invitae), Labcorp
Classification: Likely benign for Hereditary nonpolyposis colorectal neoplasms. Last evaluated: 2023-04-23. Review status: criteria provided, single submitter. Criteria: Invitae Variant Classification Sherloc (09022015). Collection method: clinical testing. Allele origin: germline.

Ambry Genetics
Classification: Likely benign for Hereditary cancer-predisposing syndrome. Last evaluated: 2017-07-03. Review status: criteria provided, single submitter. Criteria: Ambry Variant Classification Scheme 2023. Collection method: clinical testing. Allele origin: germline.

GeneDx
Classification: Likely benign. Last evaluated: 2017-03-30. Review status: criteria provided, single submitter. Criteria: GeneDx Variant Classification (06012015). Collection method: clinical testing. Allele origin: germline. Affected: yes.
Comment: This variant is considered likely benign or benign based on one or more of the following criteria: it is a conservative change, it occurs at a poorly conserved position in the protein, it is predicted to be benign by multiple in silico algorithms, and/or has population frequency not consistent with disease.